The following is an entry in ClinVar:

NM_145893.3(RBFOX1):c.76G>T (p.Gly26Ter)

Gene: RBFOX1 (RNA binding fox-1 homolog 1; plus strand). Cytogenetic location: 16p13.3.
Variant type: single nucleotide variant.
Coding change: c.76G>T on transcript NM_145893.3 (MANE Plus Clinical); coding-DNA position 76, G replaced by T.
Protein change: p.Gly26Ter; replaces glycine 26 with a stop codon.
Molecular consequence: nonsense. On other transcripts: intron variant (5).
Genome position (GRCh38, 1-based): chr16:7,333,077, G>T. VCF-style: chr16-7333077-G-T. GRCh37 (hg19) VCF-style: chr16-7383078-G-T.
Other names: c.76G>T, p.Gly26Ter (NM_145891.3, NM_145892.3); c.28-185070G>T (NM_001364800.2, NM_018723.4, NM_001142333.2 and 1 more transcripts); c.157-185070G>T (NM_001308117.1); short protein forms G26*.
Identifiers: ClinVar variation 1351381 (VCV001351381.6), dbSNP rs1180011308, ClinGen allele CA394795293.

ClinVar aggregate classification (germline): Uncertain significance (1 of 4 stars; one submission).

Conditions:
Idiopathic generalized epilepsy. Also called: EIG; Generalised epilepsy. Identifiers: MedGen C0270850, MONDO:0005579, OMIM 600669.

Submission:

Labcorp Genetics (formerly Invitae), Labcorp
Classification: Uncertain significance for Idiopathic generalized epilepsy. Last evaluated: 2022-12-06. Review status: criteria provided, single submitter. Criteria: Invitae Variant Classification Sherloc (09022015). Collection method: clinical testing. Allele origin: germline.
Comment: This variant is not present in population databases (gnomAD no frequency). In summary, the available evidence is currently insufficient to determine the role of this variant in disease. Therefore, it has been classified as a Variant of Uncertain Significance. ClinVar contains an entry for this variant (Variation ID: 1351381). This variant has not been reported in the literature in individuals affected with RBFOX1-related conditions. This sequence change creates a premature translational stop signal (p.Gly26*) in the RBFOX1 gene. It is expected to result in an absent or disrupted protein product. However, the current clinical and genetic evidence is not sufficient to establish whether loss-of-function variants in RBFOX1 cause disease.